The following is an entry in ClinVar:

ClinVar aggregate classification (germline): Benign/Likely benign. Review status: criteria provided, multiple submitters, no conflicts (2 of 4 stars). 6 submissions from 6 submitters: Benign (1); Likely benign (4). 1 of the submissions does not count toward it. Last evaluated 2026-03-01.

Conditions:
Inborn genetic diseases. Identifiers: MedGen C0950123, MeSH D030342.
Cohen syndrome (COH1). Also called: Cutis verticis gyrata, retinitis pigmentosa, and sensorineural deafness; PEPPER SYNDROME. Identifiers: Orphanet 193, MedGen C0265223, MONDO:0008999, OMIM 216550.
VPS13B-related disorder. Also called: VPS13B-related condition.

Allele frequency attached by ClinVar (database versions not stated): gnomAD 0.00001 and 0.00005; TOPMed 0.00002; gnomAD exomes 0.00010 and 0.00019; ExAC 0.00022; 1000 Genomes Project 30x 0.00031; 1000 Genomes Project 0.00040.
gnomAD v4.1: 151 of 1,613,876 alleles (0.0094%); highest among the groups gnomAD compares: Middle Eastern, 0.15%; 5 homozygotes.

Submissions (6):

CeGaT Center for Human Genetics Tuebingen
Classification: Likely benign. Last evaluated: 2026-03-01. Review status: criteria provided, single submitter. Criteria: CeGaT Center For Human Genetics Tuebingen Variant Classification Criteria Version 2. Collection method: clinical testing. Allele origin: germline. Affected: yes. Observed: 2 variant alleles.
Comment: VPS13B: BP4, BP7

Labcorp Genetics (formerly Invitae), Labcorp
Classification: Benign for Cohen syndrome. Last evaluated: 2026-01-20. Review status: criteria provided, single submitter. Criteria: Invitae Variant Classification Sherloc (09022015). Collection method: clinical testing. Allele origin: germline.

Blueprint Genetics
Classification: Likely benign. Last evaluated: 2024-08-04. Review status: criteria provided, single submitter. Criteria: ACMG Guidelines, 2015. Collection method: clinical testing. Allele origin: germline.

Ambry Genetics
Classification: Likely benign for Inborn genetic diseases. Last evaluated: 2018-11-07. Review status: criteria provided, single submitter. Criteria: Ambry Variant Classification Scheme 2023. Collection method: clinical testing. Allele origin: germline.

Genetic Services Laboratory, University of Chicago
Classification: Likely benign. Last evaluated: 2016-08-22. Review status: criteria provided, single submitter. Criteria: ACMG Guidelines, 2015. Collection method: clinical testing. Allele origin: germline. Affected: no.

PreventionGenetics, part of Exact Sciences
Classification: Likely benign for VPS13B-related condition. Last evaluated: 2023-11-13. Review status: no assertion criteria provided. Collection method: clinical testing. Allele origin: germline. Not counted in ClinVar's aggregate classification.
Comment: This variant is classified as likely benign based on ACMG/AMP sequence variant interpretation guidelines (Richards et al. 2015 PMID: 25741868, with internal and published modifications).

NM_152564.5(VPS13B):c.8661A>G (p.Ser2887=)

Gene: VPS13B (vacuolar protein sorting 13 homolog B; plus strand). Cytogenetic location: 8q22.2.
Variant type: single nucleotide variant.
Coding change: c.8661A>G on transcript NM_152564.5 (MANE Select); coding-DNA position 8661, A replaced by G.
Protein change: p.Ser2887=; no amino-acid change (serine 2887 retained).
Molecular consequence: synonymous variant.
Genome position (GRCh38, 1-based): chr8:99,819,451, A>G. VCF-style: chr8-99819451-A-G. GRCh37 (hg19) VCF-style: chr8-100831679-A-G.
Other names: c.8661A>G (NM_152564.4); c.8736A>G, p.Ser2912= (NM_017890.5).
Identifiers: ClinVar variation 437242 (VCV000437242.40), dbSNP rs199552885, ClinGen allele CA4824521.
Genomic context (GRCh38, chr8:99,819,451, plus strand): 5'-GTTTTTATTTCAATTTCCTAGAGAAGAATATGATCCTTCAGATTGTGCAGTTCCCATCTC[A>G]ACATCCCTCATTAAGCAAATAGCCACTAAGGTACACCCTGGAGGCACAGTTAATCAGATC-3'
Protein context (NP_689777.3, residues 2877-2897): YDPSDCAVPI[Ser2887=]TSLIKQIATK